The following is an entry in ClinVar:

NM_020843.4(SCAPER):c.1120C>T (p.His374Tyr)

Gene: SCAPER (S-phase cyclin A associated protein in the ER; minus strand). Cytogenetic location: 15q24.3.
Variant type: single nucleotide variant.
Coding change: c.1120C>T on transcript NM_020843.4 (MANE Select); coding-DNA position 1120, C replaced by T.
Protein change: p.His374Tyr; replaces histidine 374 with tyrosine.
Molecular consequence: missense variant. On other transcripts: non-coding transcript variant (1).
Genome position (GRCh38, 1-based): chr15:76,771,870, G>A on the plus strand (C>T on the coding strand, the complement: SCAPER is on the minus strand). VCF-style: chr15-76771870-G-A. GRCh37 (hg19) VCF-style: chr15-77064211-G-A.
Other names: c.382C>T, p.His128Tyr (NM_001145923.2); c.1120C>T, p.His374Tyr (NM_001353009.2); c.718C>T, p.His240Tyr (NM_001353010.2, NM_001353011.2, NM_001353012.2); short protein forms H128Y, H240Y, H374Y.
Identifiers: ClinVar variation 4990811 (VCV004990811.1).

ClinVar aggregate classification (germline): Uncertain significance (1 of 4 stars; one submission).

Conditions:
SCAPER-related disorder. Also called: SCAPER-related condition.

gnomAD v4.1: 3 of 1,612,840 alleles (0.00019%); highest among the groups gnomAD compares: African/African-American, 0.0027%; no homozygotes.

Submission:

PreventionGenetics, part of Exact Sciences
Classification: Uncertain significance for SCAPER-related condition. Last evaluated: 2026-06-01. Review status: criteria provided, single submitter. Criteria: ACMG Guidelines, 2015. Collection method: clinical testing. Allele origin: germline.
Comment: The SCAPER c.1120C>T variant is predicted to result in the amino acid substitution p.His374Tyr. To our knowledge, this variant has not been reported in the literature. This variant is reported in 0.00089% of alleles in individuals of European (Non-Finnish) descent in gnomAD. At this time, the clinical significance of this variant is uncertain due to the absence of conclusive functional and genetic evidence.